The following is an entry in ClinVar:

NM_004527.4(MEOX1):c.755G>A (p.Ser252Asn)

Gene: MEOX1 (mesenchyme homeobox 1; minus strand). Cytogenetic location: 17q21.31.
Variant type: single nucleotide variant.
Coding change: c.755G>A on transcript NM_004527.4 (MANE Select); coding-DNA position 755, G replaced by A.
Protein change: p.Ser252Asn; replaces serine 252 with asparagine.
Molecular consequence: missense variant. On other transcripts: 3 prime UTR variant (1).
Genome position (GRCh38, 1-based): chr17:43,641,920, C>T on the plus strand (G>A on the coding strand, the complement: MEOX1 is on the minus strand). VCF-style: chr17-43641920-C-T. GRCh37 (hg19) VCF-style: chr17-41719288-C-T.
Other names: c.410G>A, p.Ser137Asn (NM_001040002.2); c.*27G>A (NM_013999.4); short protein forms S137N, S252N.
Identifiers: ClinVar variation 1389000 (VCV001389000.3), dbSNP rs145290029, ClinGen allele CA8592524.

ClinVar aggregate classification (germline): Uncertain significance (1 of 4 stars; one submission).

Allele frequency attached by ClinVar (database versions not stated): ESP Exome Variant Server 0.00008; ExAC 0.00016; gnomAD exomes 0.00023 and 0.00028; gnomAD 0.00036 and 0.00037; TOPMed 0.00040.
gnomAD v4.1: 452 of 1,613,030 alleles (0.028%); highest among the groups gnomAD compares: Admixed American, 0.089%; no homozygotes.

Submission:

Labcorp Genetics (formerly Invitae), Labcorp
Classification: Uncertain significance. Last evaluated: 2022-08-31. Review status: criteria provided, single submitter. Criteria: Invitae Variant Classification Sherloc (09022015). Collection method: clinical testing. Allele origin: germline.
Comment: This sequence change replaces serine, which is neutral and polar, with asparagine, which is neutral and polar, at codon 252 of the MEOX1 protein (p.Ser252Asn). This variant is present in population databases (rs145290029, gnomAD 0.06%). This variant has not been reported in the literature in individuals affected with MEOX1-related conditions. ClinVar contains an entry for this variant (Variation ID: 1389000). Algorithms developed to predict the effect of missense changes on protein structure and function (SIFT, PolyPhen-2, Align-GVGD) all suggest that this variant is likely to be disruptive. In summary, the available evidence is currently insufficient to determine the role of this variant in disease. Therefore, it has been classified as a Variant of Uncertain Significance.